The following is an entry in ClinVar:

NM_001113378.2(FANCI):c.238dup (p.Asp80fs)

Gene: FANCI (FA complementation group I; plus strand). Cytogenetic location: 15q26.1.
Variant type: Duplication.
Coding change: c.238dup on transcript NM_001113378.2 (MANE Select); coding-DNA position 238, one base duplicated (G; older notation c.238dupG).
Protein change: p.Asp80fs; shifts the reading frame from aspartic acid 80.
Molecular consequence: frameshift variant. On other transcripts: 5 prime UTR variant (1).
Genome position (GRCh38, 1-based): chr15:89,260,793, G duplicated; the last of 5 consecutive G bases (chr15:89,260,789-89,260,793); duplicating any one gives the same sequence. VCF-style (leftmost placement, unchanged base first): chr15-89260788-C-CG. GRCh37 (hg19) VCF-style: chr15-89804019-C-CG.
Other names: c.-42dup (NM_001376910.1); c.238dup, p.Asp80fs (NM_001376911.1, NM_018193.3); short protein forms D80fs.
Identifiers: ClinVar variation 2675623 (VCV002675623.4), dbSNP rs772959965, ClinGen allele CA7722541.

ClinVar aggregate classification (germline): Pathogenic/Likely pathogenic. Review status: criteria provided, multiple submitters, no conflicts (2 of 4 stars). 3 submissions from 3 submitters: Pathogenic (1); Likely pathogenic (2). Last evaluated 2024-04-06.

Conditions:
Fanconi anemia (FA). Also called: Fanconi's anemia. Identifiers: Orphanet 84, MedGen C0015625, MeSH D005199, MONDO:0019391.
Fanconi anemia complementation group I (FANCI). Also called: FANCI-Related Fanconi Anemia. Identifiers: Orphanet 84, MedGen C1836861, MONDO:0012186, OMIM 609053.

Submissions (3):

Fulgent Genetics
Classification: Likely pathogenic for Fanconi anemia complementation group I. Last evaluated: 2024-04-06. Review status: criteria provided, single submitter. Criteria: ACMG Guidelines, 2015. Collection method: clinical testing. Allele origin: germline.

Labcorp Genetics (formerly Invitae), Labcorp
Classification: Pathogenic for Fanconi anemia. Last evaluated: 2024-02-14. Review status: criteria provided, single submitter. Criteria: Invitae Variant Classification Sherloc (09022015). Collection method: clinical testing. Allele origin: germline.
Comment: This sequence change creates a premature translational stop signal (p.Asp80Glyfs*9) in the FANCI gene. It is expected to result in an absent or disrupted protein product. Loss-of-function variants in FANCI are known to be pathogenic (PMID: 17452773, 17460694). This variant is present in population databases (rs772959965, gnomAD 0.0009%). This variant has not been reported in the literature in individuals affected with FANCI-related conditions. For these reasons, this variant has been classified as Pathogenic.

Baylor Genetics
Classification: Likely pathogenic for Fanconi anemia complementation group I. Last evaluated: 2023-05-03. Review status: criteria provided, single submitter. Criteria: ACMG Guidelines, 2015. Collection method: clinical testing. Allele origin: unknown.

Literature cited by the submitters: PubMed 17452773 (cited by Labcorp Genetics (formerly Invitae), Labcorp); PubMed 17460694 (cited by Labcorp Genetics (formerly Invitae), Labcorp).